The following is an entry in ClinVar:

NM_014249.4(NR2E3):c.910C>G (p.Gln304Glu)

Gene: NR2E3 (nuclear receptor subfamily 2 group E member 3; plus strand). Cytogenetic location: 15q23.
Variant type: single nucleotide variant.
Coding change: c.910C>G on transcript NM_014249.4 (MANE Select); coding-DNA position 910, C replaced by G.
Protein change: p.Gln304Glu; replaces glutamine 304 with glutamic acid.
Molecular consequence: missense variant.
Genome position (GRCh38, 1-based): chr15:71,813,551, C>G. VCF-style: chr15-71813551-C-G. GRCh37 (hg19) VCF-style: chr15-72105891-C-G.
Other names: c.910C>G, p.Gln304Glu (NM_016346.4); short protein forms Q304E.
Identifiers: ClinVar variation 5003661 (VCV005003661.1).

ClinVar aggregate classification (germline): Uncertain significance (1 of 4 stars; one submission).

Conditions:
ENHANCED S-CONE SYNDROME 1 (ESCS1). Also called: RETINOSCHISIS WITH EARLY HEMERALOPIA; FAVRE HYALOIDEORETINAL DEGENERATION. Identifiers: MedGen CN380299, OMIM 268100.

Submission:

Myriad Genetics, Inc.
Classification: Uncertain significance for ENHANCED S-CONE SYNDROME 1. Last evaluated: 2025-09-23. Review status: criteria provided, single submitter. Criteria: Myriad Autosomal Dominant, Autosomal Recessive and X-Linked Classification Criteria (2023). Collection method: clinical testing. Allele origin: unknown.
Comment: NM_014249.2(NR2E3):c.910C>G(Q304E) is a missense variant classified as a variant of uncertain significance in the context of enhanced S-cone syndrome. Q304E has not been observed in cases with relevant disease. Relevant functional assessments of this variant are not available in the literature. Q304E has not been observed in referenced population frequency databases. In summary, there is insufficient evidence to classify NM_014249.2(NR2E3):c.910C>G(Q304E) as pathogenic or benign. Please note: this variant was assessed in the context of healthy population screening.